The following is an entry in ClinVar:

ClinVar aggregate classification (germline): Conflicting classifications of pathogenicity. Review status: criteria provided, conflicting classifications (1 of 4 stars). 3 submissions from 3 submitters: Uncertain significance (1); Likely benign (2). Last evaluated 2025-06-03.

Conditions:
Cardiovascular phenotype. Identifiers: MedGen CN230736.
Hypercholesterolemia, autosomal dominant, type B (FHCL2). Also called: APOB-Related Familial Hypercholesterolemia, Autosomal Dominant; Hyperlipoproteinemia Type IIb; Familial Hypercholesterolemia Type B; APOLIPOPROTEIN B-100, FAMILIAL DEFECTIVE; APOLIPOPROTEIN B-100, FAMILIAL LIGAND-DEFECTIVE; Familial hypercholesterolemia 2. Identifiers: MedGen C1704417, MONDO:0007751, OMIM 144010.
Familial hypobetalipoproteinemia 1. Also called: APOB-Related Familial Hypobetalipoproteinemia; Hypobetalipoproteinemia, normotriglyceridemic; Acanthocytosis with hypobetalipoproteinemia. Identifiers: MedGen C4551990, MONDO:0014252, OMIM 615558.

Allele frequency attached by ClinVar (database versions not stated): TOPMed 0.00002; ExAC 0.00004; gnomAD exomes 0.00004 and 0.00002.
gnomAD v4.1: 13 of 1,613,328 alleles (0.00081%); highest among the groups gnomAD compares: Admixed American, 0.02%; no homozygotes.

Submissions (3):

Labcorp Genetics (formerly Invitae), Labcorp
Classification: Likely benign for Familial hypobetalipoproteinemia 1; Hypercholesterolemia, autosomal dominant, type B. Last evaluated: 2025-06-03. Review status: criteria provided, single submitter. Criteria: Invitae Variant Classification Sherloc (09022015). Collection method: clinical testing. Allele origin: germline.

GeneDx
Classification: Uncertain significance. Last evaluated: 2023-04-17. Review status: criteria provided, single submitter. Criteria: GeneDx Variant Classification Process June 2021. Collection method: clinical testing. Allele origin: germline. Affected: yes.
Comment: In silico analysis supports that this missense variant has a deleterious effect on protein structure/function; Has not been previously published as pathogenic or benign to our knowledge

Ambry Genetics
Classification: Likely benign for Cardiovascular phenotype. Last evaluated: 2022-09-26. Review status: criteria provided, single submitter. Criteria: Ambry Variant Classification Scheme 2023. Collection method: clinical testing. Allele origin: germline.

NM_000384.3(APOB):c.12695A>G (p.Tyr4232Cys)

Gene: APOB (apolipoprotein B; minus strand). Cytogenetic location: 2p24.1.
Variant type: single nucleotide variant.
Coding change: c.12695A>G on transcript NM_000384.3 (MANE Select); coding-DNA position 12695, A replaced by G.
Protein change: p.Tyr4232Cys; replaces tyrosine 4232 with cysteine.
Molecular consequence: missense variant.
Genome position (GRCh38, 1-based): chr2:21,002,727, T>C on the plus strand (A>G on the coding strand, the complement: APOB is on the minus strand). VCF-style: chr2-21002727-T-C. GRCh37 (hg19) VCF-style: chr2-21225599-T-C.
Other names: short protein forms Y4232C.
Identifiers: ClinVar variation 630238 (VCV000630238.14), dbSNP rs767269509, ClinGen allele CA050880.